The following is an entry in ClinVar:

NM_000264.5(PTCH1):c.3053_3054delinsAA (p.Trp1018Ter)

Gene: PTCH1 (patched 1; minus strand). Cytogenetic location: 9q22.32.
Variant type: Indel.
Coding change: c.3053_3054delinsAA on transcript NM_000264.5 (MANE Select); coding-DNA positions 3053 to 3054, GG replaced by AA.
Protein change: p.Trp1018Ter; replaces tryptophan 1018 with a stop codon.
Molecular consequence: nonsense. On other transcripts: non-coding transcript variant (1).
Genome position (GRCh38, 1-based): chr9:95,458,127-95,458,128, CC replaced by TT on the plus strand (GG replaced by AA on the coding strand, the reverse complement: PTCH1 is on the minus strand). VCF-style: chr9-95458127-CC-TT. GRCh37 (hg19) VCF-style: chr9-98220409-CC-TT.
Other names: c.2855_2856delinsAA, p.Trp952Ter (NM_001083602.3); c.3050_3051delinsAA, p.Trp1017Ter (NM_001083603.3); c.2600_2601delinsAA, p.Trp867Ter (NM_001083604.3, NM_001083605.3, NM_001083606.3 and 1 more transcripts); c.2897_2898delinsAA, p.Trp966Ter (NM_001354918.2); short protein forms W1017*, W1018*, W867*, W952*, W966*.
Identifiers: ClinVar variation 3359135 (VCV003359135.2).

ClinVar aggregate classification (germline): Pathogenic (1 of 4 stars; one submission).

Conditions:
Basal cell nevus syndrome 1 (BCNS1). Also called: GORLIN-GOLTZ SYNDROME; MULTIPLE BASAL CELL NEVI, ODONTOGENIC KERATOCYSTS, AND SKELETAL ANOMALIES. Identifiers: MedGen CN376810, MONDO:0958174, OMIM 109400.

Submission:

Institute of Human Genetics, University of Leipzig Medical Center
Classification: Pathogenic for Basal cell nevus syndrome 1. Last evaluated: 2024-04-17. Review status: criteria provided, single submitter. Criteria: ACMG Guidelines, 2015. Collection method: clinical testing. Allele origin: unknown. Inheritance: Autosomal dominant inheritance. Affected: yes.
Comment: Criteria applied: PVS1,PM2_SUP,PP4